The following is an entry in ClinVar:

NM_017802.4(DNAAF5):c.2507G>A (p.Arg836His)

Gene: DNAAF5 (dynein axonemal assembly factor 5; plus strand). Cytogenetic location: 7p22.3.
Variant type: single nucleotide variant.
Coding change: c.2507G>A on transcript NM_017802.4 (MANE Select); coding-DNA position 2507, G replaced by A.
Protein change: p.Arg836His; replaces arginine 836 with histidine.
Molecular consequence: missense variant. On other transcripts: non-coding transcript variant (1).
Genome position (GRCh38, 1-based): chr7:785,592, G>A. VCF-style: chr7-785592-G-A. GRCh37 (hg19) VCF-style: chr7-825229-G-A.
Other names: short protein forms R836H.
Identifiers: ClinVar variation 1515147 (VCV001515147.4), dbSNP rs760802184, ClinGen allele CA4111229.

ClinVar aggregate classification (germline): Uncertain significance (1 of 4 stars; one submission).

Conditions:
Primary ciliary dyskinesia. Also called: Ciliary dyskinesia. Identifiers: Orphanet 244, MedGen C0008780, MONDO:0016575, HP:0012265.

Allele frequency attached by ClinVar (database versions not stated): gnomAD 0.00002; gnomAD exomes 0.00002 and 0.00004; TOPMed 0.00002; ExAC 0.00003.
gnomAD v4.1: 38 of 1,613,162 alleles (0.0024%); highest among the groups gnomAD compares: South Asian, 0.018%; no homozygotes.

Submission:

Labcorp Genetics (formerly Invitae), Labcorp
Classification: Uncertain significance for Primary ciliary dyskinesia. Last evaluated: 2022-06-28. Review status: criteria provided, single submitter. Criteria: Invitae Variant Classification Sherloc (09022015). Collection method: clinical testing. Allele origin: germline.
Comment: In summary, the available evidence is currently insufficient to determine the role of this variant in disease. Therefore, it has been classified as a Variant of Uncertain Significance. Algorithms developed to predict the effect of missense changes on protein structure and function are either unavailable or do not agree on the potential impact of this missense change (SIFT: "Tolerated"; PolyPhen-2: "Possibly Damaging"; Align-GVGD: "Class C0"). This variant has not been reported in the literature in individuals affected with DNAAF5-related conditions. This variant is present in population databases (rs760802184, gnomAD 0.02%). This sequence change replaces arginine, which is basic and polar, with histidine, which is basic and polar, at codon 836 of the DNAAF5 protein (p.Arg836His).